The following is an entry in ClinVar:

NM_001004320.2(AGMO):c.959T>C (p.Val320Ala)

Gene: AGMO (alkylglycerol monooxygenase; minus strand). Cytogenetic location: 7p21.2.
Variant type: single nucleotide variant.
Coding change: c.959T>C on transcript NM_001004320.2 (MANE Select); coding-DNA position 959, T replaced by C.
Protein change: p.Val320Ala; replaces valine 320 with alanine.
Molecular consequence: missense variant.
Genome position (GRCh38, 1-based): chr7:15,385,561, A>G on the plus strand (T>C on the coding strand, the complement: AGMO is on the minus strand). VCF-style: chr7-15385561-A-G. GRCh37 (hg19) VCF-style: chr7-15425186-A-G.
Other names: short protein forms V320A.
Identifiers: ClinVar variation 4993967 (VCV004993967.1).

ClinVar aggregate classification (germline): Uncertain significance (1 of 4 stars; one submission).

Conditions:
AGMO-related disorder. Also called: AGMO-related condition.

Submission:

PreventionGenetics, part of Exact Sciences
Classification: Uncertain significance for AGMO-related condition. Last evaluated: 2026-07-13. Review status: criteria provided, single submitter. Criteria: ACMG Guidelines, 2015. Collection method: clinical testing. Allele origin: germline.
Comment: The AGMO c.959T>C variant is predicted to result in the amino acid substitution p.Val320Ala. To our knowledge, this variant has not been reported in the literature or in a large population database (gnomAD), indicating this variant is rare. At this time, the clinical significance of this variant is uncertain due to the absence of conclusive functional and genetic evidence.